The following is an entry in ClinVar:

NM_001371596.2(MFSD8):c.1433A>T (p.His478Leu)

Gene: MFSD8 (major facilitator superfamily domain containing 8; minus strand). Cytogenetic location: 4q28.2.
Variant type: single nucleotide variant.
Coding change: c.1433A>T on transcript NM_001371596.2 (MANE Select); coding-DNA position 1433, A replaced by T.
Protein change: p.His478Leu; replaces histidine 478 with leucine.
Molecular consequence: missense variant.
Genome position (GRCh38, 1-based): chr4:127,920,754, T>A on the plus strand (A>T on the coding strand, the complement: MFSD8 is on the minus strand). VCF-style: chr4-127920754-T-A. GRCh37 (hg19) VCF-style: chr4-128841909-T-A.
Other names: c.1232A>T, p.His411Leu (NM_001363520.3); c.1118A>T, p.His373Leu (NM_001363521.3); c.1298A>T, p.His433Leu (NM_001371590.2); c.1442A>T, p.His481Leu (NM_001371591.2); c.1439A>T, p.His480Leu (NM_001371592.2); c.1319A>T, p.His440Leu (NM_001371593.2); c.1286A>T, p.His429Leu (NM_001371594.2); c.1151A>T, p.His384Leu (NM_001371595.1); and 3 more; short protein forms H411L, H433L, H440L, H478L, H384L, H481L, H373L, H429L.
Identifiers: ClinVar variation 1388358 (VCV001388358.7), dbSNP rs1736225136, ClinGen allele CA358170698.

ClinVar aggregate classification (germline): Uncertain significance (1 of 4 stars; one submission).

Conditions:
Neuronal ceroid lipofuscinosis 7 (CLN7). Also called: MFSD8-Related Neuronal Ceroid-Lipofuscinosis. Identifiers: Orphanet 168491, Orphanet 228366, MedGen C1838571, MONDO:0012588, OMIM 610951.

Submission:

Labcorp Genetics (formerly Invitae), Labcorp
Classification: Uncertain significance for Neuronal ceroid lipofuscinosis 7. Last evaluated: 2021-10-21. Review status: criteria provided, single submitter. Criteria: Invitae Variant Classification Sherloc (09022015). Collection method: clinical testing. Allele origin: germline.
Comment: This sequence change replaces histidine with leucine at codon 478 of the MFSD8 protein (p.His478Leu). The histidine residue is weakly conserved and there is a moderate physicochemical difference between histidine and leucine. This variant is not present in population databases (ExAC no frequency). This variant has not been reported in the literature in individuals affected with MFSD8-related conditions. Algorithms developed to predict the effect of missense changes on protein structure and function (SIFT, PolyPhen-2, Align-GVGD) all suggest that this variant is likely to be tolerated. In summary, the available evidence is currently insufficient to determine the role of this variant in disease. Therefore, it has been classified as a Variant of Uncertain Significance.